The following is an entry in ClinVar:

NM_002900.3(RBP3):c.3546C>A (p.His1182Gln)

Gene: RBP3 (retinol binding protein 3; plus strand). Cytogenetic location: 10q11.22.
Variant type: single nucleotide variant.
Coding change: c.3546C>A on transcript NM_002900.3 (MANE Select); coding-DNA position 3546, C replaced by A.
Protein change: p.His1182Gln; replaces histidine 1182 with glutamine.
Molecular consequence: missense variant.
Genome position (GRCh38, 1-based): chr10:47,357,259, C>A. VCF-style: chr10-47357259-C-A. GRCh37 (hg19) VCF-style: chr10-48382103-G-T.
Other names: short protein forms H1182Q.
Identifiers: ClinVar variation 1062887 (VCV001062887.8), dbSNP rs74578742, ClinGen allele CA5487018.

ClinVar aggregate classification (germline): Uncertain significance (1 of 4 stars; one submission).

gnomAD v4.1: 4 of 1,614,122 alleles (0.00025%); highest among the groups gnomAD compares: Admixed American, 0.005%; no homozygotes.

Submission:

Labcorp Genetics (formerly Invitae), Labcorp
Classification: Uncertain significance. Last evaluated: 2020-09-16. Review status: criteria provided, single submitter. Criteria: Invitae Variant Classification Sherloc (09022015). Collection method: clinical testing. Allele origin: germline.
Comment: This variant is present in population databases (rs74578742, ExAC 0.02%). This sequence change replaces histidine with glutamine at codon 1182 of the RBP3 protein (p.His1182Gln). The histidine residue is highly conserved and there is a small physicochemical difference between histidine and glutamine. This variant has not been reported in the literature in individuals with RBP3-related conditions. In summary, the available evidence is currently insufficient to determine the role of this variant in disease. Therefore, it has been classified as a Variant of Uncertain Significance. Algorithms developed to predict the effect of missense changes on protein structure and function are either unavailable or do not agree on the potential impact of this missense change (SIFT: "Tolerated"; PolyPhen-2: "Possibly Damaging"; Align-GVGD: "Class C0").